The following is an entry in ClinVar:

ClinVar aggregate classification (germline): Uncertain significance (1 of 4 stars; one submission).

Conditions:
Hereditary cancer-predisposing syndrome. Also called: Tumor predisposition; Neoplastic Syndromes, Hereditary; Hereditary neoplastic syndrome; Hereditary Cancer Syndrome. Identifiers: Orphanet 140162, MedGen C0027672, MeSH D009386, MONDO:0015356.

Submission:

Ambry Genetics
Classification: Uncertain significance for Hereditary cancer-predisposing syndrome. Last evaluated: 2025-08-27. Review status: criteria provided, single submitter. Criteria: Ambry Variant Classification Scheme 2023. Collection method: clinical testing. Allele origin: germline.
Comment: The p.G503A variant (also known as c.1508G>C), located in coding exon 15 of the MUTYH gene, results from a G to C substitution at nucleotide position 1508. The glycine at codon 503 is replaced by alanine, an amino acid with similar properties. This amino acid position is conserved. In addition, the in silico prediction for this alteration is inconclusive. Based on the available evidence, the clinical significance of this variant remains unclear.

NM_001048174.2(MUTYH):c.1424G>C (p.Gly475Ala)

Gene: MUTYH (mutY DNA glycosylase; minus strand). Cytogenetic location: 1p34.1.
Variant type: single nucleotide variant.
Coding change: c.1424G>C on transcript NM_001048174.2 (MANE Select); coding-DNA position 1424, G replaced by C.
Protein change: p.Gly475Ala; replaces glycine 475 with alanine.
Molecular consequence: missense variant. On other transcripts: non-coding transcript variant (7).
Genome position (GRCh38, 1-based): chr1:45,330,526, C>G on the plus strand (G>C on the coding strand, the complement: MUTYH is on the minus strand). VCF-style: chr1-45330526-C-G. GRCh37 (hg19) VCF-style: chr1-45796198-C-G.
Other names: c.1424G>C, p.Gly475Ala (NM_001048171.2, NM_001048173.2, NM_001293195.2 and 6 more transcripts); c.1427G>C, p.Gly476Ala (NM_001048172.2, NM_001407071.1, NM_001407078.1 and 1 more transcripts); c.1508G>C, p.Gly503Ala (NM_001128425.2); c.1469G>C, p.Gly490Ala (NM_001293190.2); c.1457G>C, p.Gly486Ala (NM_001293191.2, NM_001407069.1, NM_001407077.1); c.1148G>C, p.Gly383Ala (NM_001293192.2, NM_001293196.2, NM_001407091.1); c.1079G>C, p.Gly360Ala (NM_001350650.2, NM_001350651.2, NM_001407082.1); c.1340G>C, p.Gly447Ala (NM_001407075.1); and 5 more; short protein forms G383A, G447A, G475A, G482A, G360A, G461A, G476A, G489A.
Identifiers: ClinVar variation 4113301 (VCV004113301.1).